The following is an entry in ClinVar:

NM_001134363.3(RBM20):c.1934C>T (p.Pro645Leu)

Gene: RBM20 (RNA binding motif protein 20; plus strand). Cytogenetic location: 10q25.2.
Variant type: single nucleotide variant.
Coding change: c.1934C>T on transcript NM_001134363.3 (MANE Select); coding-DNA position 1934, C replaced by T.
Protein change: p.Pro645Leu; replaces proline 645 with leucine.
Molecular consequence: missense variant.
Genome position (GRCh38, 1-based): chr10:110,812,331, C>T. VCF-style: chr10-110812331-C-T. GRCh37 (hg19) VCF-style: chr10-112572089-C-T.
Other names: short protein forms P645L.
Identifiers: ClinVar variation 1020926 (VCV001020926.9), dbSNP rs776297244, ClinGen allele CA5688652.
Genomic context (GRCh38, chr10:110,812,331, plus strand): 5'-CTCACAGATATGGCCCAGAAAGGCCGCGGTCTCGTAGTCCGGTGAGCCGGTCACTCTCCC[C>T]GAGGTCCCACACTCCCAGCTTCACCTCCTGCAGCTCTTCCCACAGCCCTCCGGGCCCCTC-3'
Protein context (NP_001127835.2, residues 635-655): SRSPVSRSLS[Pro645Leu]RSHTPSFTSC

ClinVar aggregate classification (germline): Uncertain significance. Review status: criteria provided, multiple submitters, no conflicts (2 of 4 stars). 2 submissions from 2 submitters: Uncertain significance (2). Last evaluated 2026-01-13.

Conditions:
Dilated cardiomyopathy 1DD (CMD1DD). Identifiers: Orphanet 154, MedGen C2750995, MONDO:0013168, OMIM 613172.

Allele frequency attached by ClinVar (database versions not stated): TOPMed 0.00002; gnomAD exomes 0.00003; ExAC 0.00006.
gnomAD v4.1: 48 of 1,551,458 alleles (0.0031%); highest among the groups gnomAD compares: South Asian, 0.0059%; no homozygotes.

Submissions (2):

Labcorp Genetics (formerly Invitae), Labcorp
Classification: Uncertain significance for Dilated cardiomyopathy 1DD. Last evaluated: 2026-01-13. Review status: criteria provided, single submitter. Criteria: Invitae Variant Classification Sherloc (09022015). Collection method: clinical testing. Allele origin: germline.
Comment: This sequence change replaces proline, which is neutral and non-polar, with leucine, which is neutral and non-polar, at codon 645 of the RBM20 protein (p.Pro645Leu). This variant is present in population databases (rs776297244, gnomAD 0.01%). This variant has not been reported in the literature in individuals affected with RBM20-related conditions. ClinVar contains an entry for this variant (Variation ID: 1020926). Invitae Evidence Modeling of protein sequence and biophysical properties (such as structural, functional, and spatial information, amino acid conservation, physicochemical variation, residue mobility, and thermodynamic stability) has been performed for this missense variant. However, the output from this modeling did not meet the statistical confidence thresholds required to predict the impact of this variant on RBM20 protein function. In summary, the available evidence is currently insufficient to determine the role of this variant in disease. Therefore, it has been classified as a Variant of Uncertain Significance.

Blueprint Genetics
Classification: Uncertain significance. Last evaluated: 2024-10-30. Review status: criteria provided, single submitter. Criteria: ACMG Guidelines, 2015. Collection method: clinical testing. Allele origin: germline.